The following is an entry in ClinVar:

NM_182961.4(SYNE1):c.22494+7T>G

Gene: SYNE1 (spectrin repeat containing nuclear envelope protein 1; minus strand). Cytogenetic location: 6q25.2.
Variant type: single nucleotide variant.
Coding change: c.22494+7T>G on transcript NM_182961.4 (MANE Select); 7 bases into the intron after coding-DNA position 22494, T replaced by G.
Molecular consequence: intron variant.
Genome position (GRCh38, 1-based): chr6:152,213,605, A>C on the plus strand (T>G on the coding strand, the complement: SYNE1 is on the minus strand). VCF-style: chr6-152213605-A-C. GRCh37 (hg19) VCF-style: chr6-152534740-A-C.
Other names: c.22281+7T>G (NM_033071.5).
Identifiers: ClinVar variation 3344314 (VCV003344314.1).

ClinVar aggregate classification (germline): Likely benign (0 of 4 stars; one submission).

Conditions:
SYNE1-related disorder. Also called: SYNE1-related disease; SYNE1-related condition; SYNE1-related disorders.

Submission:

PreventionGenetics, part of Exact Sciences
Classification: Likely benign for SYNE1-related condition. Last evaluated: 2024-08-26. Review status: no assertion criteria provided. Collection method: clinical testing. Allele origin: germline.
Comment: This variant is classified as likely benign based on ACMG/AMP sequence variant interpretation guidelines (Richards et al. 2015 PMID: 25741868, with internal and published modifications).